The following is an entry in ClinVar:

NM_170784.3(MKKS):c.1700A>T (p.Glu567Val)

Gene: MKKS (MKKS centrosomal shuttling protein; minus strand). Cytogenetic location: 20p12.2.
Variant type: single nucleotide variant.
Coding change: c.1700A>T on transcript NM_170784.3 (MANE Select); coding-DNA position 1700, A replaced by T.
Protein change: p.Glu567Val; replaces glutamic acid 567 with valine.
Molecular consequence: missense variant. On other transcripts: non-coding transcript variant (1).
Genome position (GRCh38, 1-based): chr20:10,405,260, T>A on the plus strand (A>T on the coding strand, the complement: MKKS is on the minus strand). VCF-style: chr20-10405260-T-A. GRCh37 (hg19) VCF-style: chr20-10385908-T-A.
Other names: c.1700A>T, p.Glu567Val (NM_018848.3); short protein forms E567V.
Identifiers: ClinVar variation 3053126 (VCV003053126.2), dbSNP rs2514486280, ClinGen allele CA408230325.

ClinVar aggregate classification (germline): Uncertain significance (0 of 4 stars; one submission).

Conditions:
MKKS-related disorder. Also called: MKKS-related disorders; MKKS-related condition.

Submission:

PreventionGenetics, part of Exact Sciences
Classification: Uncertain significance for MKKS-related condition. Last evaluated: 2024-02-22. Review status: no assertion criteria provided. Collection method: clinical testing. Allele origin: germline.
Comment: The MKKS c.1700A>T variant is predicted to result in the amino acid substitution p.Glu567Val. To our knowledge, this variant has not been reported in the literature or in a large population database, indicating this variant is rare. At this time, the clinical significance of this variant is uncertain due to the absence of conclusive functional and genetic evidence.